The following is an entry in ClinVar:

NM_001231.5(CASQ1):c.1010T>A (p.Phe337Tyr)

Gene: CASQ1 (calsequestrin 1; plus strand). Cytogenetic location: 1q23.2.
Variant type: single nucleotide variant.
Coding change: c.1010T>A on transcript NM_001231.5 (MANE Select); coding-DNA position 1010, T replaced by A.
Protein change: p.Phe337Tyr; replaces phenylalanine 337 with tyrosine.
Molecular consequence: missense variant.
Genome position (GRCh38, 1-based): chr1:160,199,876, T>A. VCF-style: chr1-160199876-T-A. GRCh37 (hg19) VCF-style: chr1-160169666-T-A.
Other names: short protein forms F337Y.
Identifiers: ClinVar variation 4997511 (VCV004997511.1).

ClinVar aggregate classification (germline): Uncertain significance (1 of 4 stars; one submission).

Conditions:
CASQ1-related disorder. Also called: CASQ1-related condition.

gnomAD v4.1: 11 of 1,613,408 alleles (0.00068%); highest among the groups gnomAD compares: Non-Finnish European, 0.00093%; no homozygotes.

Submission:

PreventionGenetics, part of Exact Sciences
Classification: Uncertain significance for CASQ1-related condition. Last evaluated: 2025-02-21. Review status: criteria provided, single submitter. Criteria: ACMG Guidelines, 2015. Collection method: clinical testing. Allele origin: germline.
Comment: The CASQ1 c.1010T>A variant is predicted to result in the amino acid substitution p.Phe337Tyr. To our knowledge, this variant has not been reported in the literature or in a large population database (gnomAD), indicating this variant is rare. At this time, the clinical significance of this variant is uncertain due to the absence of conclusive functional and genetic evidence.